The following is an entry in ClinVar:

NM_020987.5(ANK3):c.2973C>T (p.Asp991=)

Gene: ANK3 (ankyrin 3; minus strand). Cytogenetic location: 10q21.2.
Variant type: single nucleotide variant.
Coding change: c.2973C>T on transcript NM_020987.5 (MANE Select); coding-DNA position 2973, C replaced by T.
Protein change: p.Asp991=; no amino-acid change (aspartic acid 991 retained).
Molecular consequence: synonymous variant.
Genome position (GRCh38, 1-based): chr10:60,109,030, G>A on the plus strand (C>T on the coding strand, the complement: ANK3 is on the minus strand). VCF-style: chr10-60109030-G-A. GRCh37 (hg19) VCF-style: chr10-61868788-G-A.
Other names: c.375C>T, p.Asp125= (NM_001149.4); c.2955C>T, p.Asp985= (NM_001204403.2); c.2976C>T, p.Asp992= (NM_001204404.2); c.2973C>T, p.Asp991= (NM_001320874.2).
Identifiers: ClinVar variation 4990061 (VCV004990061.2).

ClinVar aggregate classification (germline): Likely benign. Review status: criteria provided, multiple submitters, no conflicts (2 of 4 stars). 2 submissions from 2 submitters: Likely benign (2). Last evaluated 2026-08-01.

Conditions:
ANK3-related disorder. Also called: ANK3-related condition.

gnomAD v4.1: 96 of 1,613,302 alleles (0.006%); highest among the groups gnomAD compares: Middle Eastern, 0.018%; no homozygotes.

Submissions (2):

CeGaT Center for Human Genetics Tuebingen
Classification: Likely benign. Last evaluated: 2026-08-01. Review status: criteria provided, single submitter. Criteria: CeGaT Center For Human Genetics Tuebingen Variant Classification Criteria Version 2. Collection method: clinical testing. Allele origin: germline. Affected: yes. Observed: 1 variant allele.
Comment: ANK3: BP4, BP7

PreventionGenetics, part of Exact Sciences
Classification: Likely benign for ANK3-related condition. Last evaluated: 2025-05-15. Review status: criteria provided, single submitter. Criteria: ACMG Guidelines, 2015. Collection method: clinical testing. Allele origin: germline.
Comment: This variant is classified as likely benign based on ACMG/AMP sequence variant interpretation guidelines (Richards et al. 2015 PMID: 25741868, with internal and published modifications).